The following is an entry in ClinVar:

ClinVar aggregate classification (germline): Uncertain significance (1 of 4 stars; one submission).

Conditions:
Emery-Dreifuss muscular dystrophy 5, autosomal dominant (EDMD5). Also called: EMERY-DREIFUSS MUSCULAR DYSTROPHY 5. Identifiers: Orphanet 261, MedGen C2751805, MONDO:0013072, OMIM 612999.

Allele frequency attached by ClinVar (database versions not stated): TOPMed below 0.00001; gnomAD exomes 0.00001.
gnomAD v4.1: 8 of 1,614,066 alleles (0.0005%); highest among the groups gnomAD compares: Non-Finnish European, 0.00068%; no homozygotes.

Submission:

Labcorp Genetics (formerly Invitae), Labcorp
Classification: Uncertain significance for Emery-Dreifuss muscular dystrophy 5, autosomal dominant. Last evaluated: 2025-12-23. Review status: criteria provided, single submitter. Criteria: Invitae Variant Classification Sherloc (09022015). Collection method: clinical testing. Allele origin: germline.
Comment: This sequence change replaces glutamic acid, which is acidic and polar, with lysine, which is basic and polar, at codon 1035 of the SYNE2 protein (p.Glu1035Lys). This variant is present in population databases (rs770698687, gnomAD 0.0009%). This variant has not been reported in the literature in individuals affected with SYNE2-related conditions. ClinVar contains an entry for this variant (Variation ID: 470970). An algorithm developed to predict the effect of missense changes on protein structure and function (PolyPhen-2) suggests that this variant is likely to be disruptive. In summary, the available evidence is currently insufficient to determine the role of this variant in disease. Therefore, it has been classified as a Variant of Uncertain Significance.

NM_182914.3(SYNE2):c.3103G>A (p.Glu1035Lys)

Gene: SYNE2 (spectrin repeat containing nuclear envelope protein 2; plus strand). Cytogenetic location: 14q23.2.
Variant type: single nucleotide variant.
Coding change: c.3103G>A on transcript NM_182914.3 (MANE Select); coding-DNA position 3103, G replaced by A.
Protein change: p.Glu1035Lys; replaces glutamic acid 1035 with lysine.
Molecular consequence: missense variant.
Genome position (GRCh38, 1-based): chr14:63,997,109, G>A. VCF-style: chr14-63997109-G-A. GRCh37 (hg19) VCF-style: chr14-64463827-G-A.
Other names: c.3103G>A, p.Glu1035Lys (NM_015180.6); short protein forms E1035K.
Identifiers: ClinVar variation 470970 (VCV000470970.10), dbSNP rs770698687, ClinGen allele CA261842971.